The following is an entry in ClinVar:

ClinVar aggregate classification (germline): Likely pathogenic (0 of 4 stars; one submission).

Conditions:
Tangier disease (TGD). Also called: Cholesterol thesaurismosis; HIGH DENSITY LIPOPROTEIN DEFICIENCY, TANGIER TYPE; HIGH DENSITY LIPOPROTEIN DEFICIENCY, TYPE 1. Identifiers: Orphanet 31150, MedGen C0039292, MONDO:0008783, OMIM 205400.

gnomAD v4.1: 1 of 1,613,844 alleles (0.000062%); no homozygotes.

Submission:

Baylor Genetics
Classification: Likely pathogenic for Tangier disease. Last evaluated: 2016-05-01. Review status: no assertion criteria provided. Collection method: clinical testing. Allele origin: germline. Inheritance: Autosomal recessive inheritance. Affected: yes.

NM_005502.4(ABCA1):c.2803A>G (p.Asn935Asp)

Gene: ABCA1 (ATP binding cassette subfamily A member 1; minus strand). Cytogenetic location: 9q31.1.
Variant type: single nucleotide variant.
Coding change: c.2803A>G on transcript NM_005502.4 (MANE Select); coding-DNA position 2803, A replaced by G.
Protein change: p.Asn935Asp; replaces asparagine 935 with aspartic acid.
Molecular consequence: missense variant.
Genome position (GRCh38, 1-based): chr9:104,822,521, T>C on the plus strand (A>G on the coding strand, the complement: ABCA1 is on the minus strand). VCF-style: chr9-104822521-T-C. GRCh37 (hg19) VCF-style: chr9-107584802-T-C.
Other names: short protein forms N935D.
Identifiers: ClinVar variation 374312 (VCV000374312.1), dbSNP rs28937314, ClinGen allele CA16043668.